The following is an entry in ClinVar:

NM_000097.7(CPOX):c.116C>T (p.Ser39Phe)

Genes: CPOX (coproporphyrinogen oxidase; minus strand), LOC129937121 (ATAC-STARR-seq lymphoblastoid silent region 14560; plus strand). Cytogenetic location: 3q11.2.
Variant type: single nucleotide variant.
Coding change: c.116C>T on transcript NM_000097.7 (MANE Select); coding-DNA position 116, C replaced by T.
Protein change: p.Ser39Phe; replaces serine 39 with phenylalanine.
Molecular consequence: missense variant.
Genome position (GRCh38, 1-based): chr3:98,593,389, G>A on the plus strand (C>T on the coding strand, the complement: CPOX is on the minus strand). VCF-style: chr3-98593389-G-A. GRCh37 (hg19) VCF-style: chr3-98312233-G-A.
Other names: short protein forms S39F.
Identifiers: ClinVar variation 4680972 (VCV004680972.1).

ClinVar aggregate classification (germline): Uncertain significance (1 of 4 stars; one submission).

Submission:

GeneDx
Classification: Uncertain significance. Last evaluated: 2025-06-24. Review status: criteria provided, single submitter. Criteria: GeneDx Variant Classification Process June 2021. Collection method: clinical testing. Allele origin: germline. Affected: yes.
Comment: Not observed at significant frequency in large population cohorts (gnomAD); In silico analysis suggests that this missense variant does not alter protein structure/function; Has not been previously published as pathogenic or benign to our knowledge